The following is an entry in ClinVar:

ClinVar aggregate classification (germline): Uncertain significance (1 of 4 stars; one submission).

gnomAD v4.1: 2 of 1,553,734 alleles (0.00013%); highest among the groups gnomAD compares: African/African-American, 0.0027%; no homozygotes.

Submission:

Ambry Genetics
Classification: Uncertain significance. Last evaluated: 2024-12-29. Review status: criteria provided, single submitter. Criteria: Ambry Variant Classification Scheme 2023. Collection method: clinical testing. Allele origin: germline.
Comment: The p.L1602V variant (also known as c.4804C>G), located in coding exon 19 of the WNK2 gene, results from a C to G substitution at nucleotide position 4804. The leucine at codon 1602 is replaced by valine, an amino acid with highly similar properties. This amino acid position is conserved. In addition, this alteration is predicted to be tolerated by in silico analysis. Based on the available evidence, the clinical significance of this variant remains unclear.

NM_006648.4(WNK2):c.4804C>G (p.Leu1602Val)

Gene: WNK2 (WNK lysine deficient protein kinase 2; plus strand). Cytogenetic location: 9q22.31.
Variant type: single nucleotide variant.
Coding change: c.4804C>G on transcript NM_006648.4 (MANE Select); coding-DNA position 4804, C replaced by G.
Protein change: p.Leu1602Val; replaces leucine 1602 with valine.
Molecular consequence: missense variant.
Genome position (GRCh38, 1-based): chr9:93,289,558, C>G. VCF-style: chr9-93289558-C-G. GRCh37 (hg19) VCF-style: chr9-96051840-C-G.
Other names: c.4915C>G, p.Leu1639Val (NM_001282394.3); short protein forms L1639V, L1602V.
Identifiers: ClinVar variation 3816667 (VCV003816667.1).